The following is an entry in ClinVar:

NM_001130987.2(DYSF):c.6321+3G>A

Gene: DYSF (dysferlin; plus strand). Cytogenetic location: 2p13.2.
Variant type: single nucleotide variant.
Coding change: c.6321+3G>A on transcript NM_001130987.2 (MANE Select); 3 bases into the intron after coding-DNA position 6321, G replaced by A.
Molecular consequence: intron variant.
Genome position (GRCh38, 1-based): chr2:71,682,680, G>A. VCF-style: chr2-71682680-G-A. GRCh37 (hg19) VCF-style: chr2-71909810-G-A.
Other names: c.6297+3G>A (NM_001130979.2); c.6318+3G>A (NM_001130981.2); c.6255+3G>A (NM_001130980.2); c.6267+3G>A (NM_001130978.2); c.6204+3G>A (NM_003494.4); c.6225+3G>A (NM_001130977.2); c.6162+3G>A (NM_001130976.2); c.6300+3G>A (NM_001130982.2); and 5 more.
Identifiers: ClinVar variation 1490613 (VCV001490613.6), dbSNP rs2152972162, ClinGen allele CA2527345886.

ClinVar aggregate classification (germline): Uncertain significance (1 of 4 stars; one submission).

Conditions:
Neuromuscular disease caused by qualitative or quantitative defects of dysferlin. Also called: Dysferlinopathy; Qualitative or quantitative defects of dysferlin. Identifiers: Orphanet 207073, MedGen C2931687, MONDO:0016145.

gnomAD v4.1: 1 of 1,613,424 alleles (0.000062%); highest among the groups gnomAD compares: Non-Finnish European, 0.000085%; no homozygotes.

Submission:

Labcorp Genetics (formerly Invitae), Labcorp
Classification: Uncertain significance for Neuromuscular disease caused by qualitative or quantitative defects of dysferlin. Last evaluated: 2021-09-15. Review status: criteria provided, single submitter. Criteria: Invitae Variant Classification Sherloc (09022015). Collection method: clinical testing. Allele origin: germline.
Comment: In summary, the available evidence is currently insufficient to determine the role of this variant in disease. Therefore, it has been classified as a Variant of Uncertain Significance. Variants that disrupt the consensus splice site are a relatively common cause of aberrant splicing (PMID: 17576681, 9536098). Algorithms developed to predict the effect of sequence changes on RNA splicing suggest that this variant is not likely to affect RNA splicing. This variant has not been reported in the literature in individuals affected with DYSF-related conditions. This variant is not present in population databases (ExAC no frequency). This sequence change falls in intron 54 of the DYSF gene. It does not directly change the encoded amino acid sequence of the DYSF protein. It affects a nucleotide within the consensus splice site of the intron.

Literature cited by the submitters: PubMed 17576681; PubMed 9536098.